The following is an entry in ClinVar:

ClinVar aggregate classification (germline): Benign. Review status: criteria provided, single submitter (1 of 4 stars). 2 submissions from 2 submitters: Benign (1). 1 of the submissions does not count toward it. Last evaluated 2025-03-31.

Conditions:
ZNF143-related disorder. Also called: ZNF143-related condition.

Allele frequency attached by ClinVar (database versions not stated): 1000 Genomes Project 0.00040; 1000 Genomes Project 30x 0.00062; gnomAD 0.00062; TOPMed 0.00069; ESP Exome Variant Server 0.00085.
gnomAD v4.1: 176 of 1,547,256 alleles (0.011%); highest among the groups gnomAD compares: African/African-American, 0.23%; no homozygotes.

Submissions (2):

Labcorp Genetics (formerly Invitae), Labcorp
Classification: Benign. Last evaluated: 2025-03-31. Review status: criteria provided, single submitter. Criteria: Invitae Variant Classification Sherloc (09022015). Collection method: clinical testing. Allele origin: germline.

PreventionGenetics, part of Exact Sciences
Classification: Likely benign for ZNF143-related condition. Last evaluated: 2020-04-21. Review status: no assertion criteria provided. Collection method: clinical testing. Allele origin: germline. Not counted in ClinVar's aggregate classification.
Comment: This variant is classified as likely benign based on ACMG/AMP sequence variant interpretation guidelines (Richards et al. 2015 PMID: 25741868, with internal and published modifications).

NM_003442.6(ZNF143):c.967+8T>C

Gene: ZNF143 (zinc finger protein 143; plus strand). Cytogenetic location: 11p15.4.
Variant type: single nucleotide variant.
Coding change: c.967+8T>C on transcript NM_003442.6 (MANE Select); 8 bases into the intron after coding-DNA position 967, T replaced by C.
Molecular consequence: intron variant.
Genome position (GRCh38, 1-based): chr11:9,497,808, T>C. VCF-style: chr11-9497808-T-C. GRCh37 (hg19) VCF-style: chr11-9519355-T-C.
Other names: c.964+8T>C (NM_001282656.2); c.874+8T>C (NM_001282657.2); c.967+8T>C (NM_003442.5).
Identifiers: ClinVar variation 2065768 (VCV002065768.6), dbSNP rs189191798, ClinGen allele CA5879508.